The following is an entry in ClinVar:

ClinVar aggregate classification (germline): Uncertain significance. Review status: criteria provided, multiple submitters, no conflicts (2 of 4 stars). 2 submissions from 2 submitters: Uncertain significance (2). Last evaluated 2023-09-04.

Conditions:
Inborn genetic diseases. Identifiers: MedGen C0950123, MeSH D030342.

Allele frequency attached by ClinVar (database versions not stated): gnomAD 0.00001; ExAC 0.00002; TOPMed 0.00002.

Submissions (2):

Labcorp Genetics (formerly Invitae), Labcorp
Classification: Uncertain significance. Last evaluated: 2023-09-04. Review status: criteria provided, single submitter. Criteria: Invitae Variant Classification Sherloc (09022015). Collection method: clinical testing. Allele origin: germline.
Comment: This sequence change replaces glutamic acid, which is acidic and polar, with lysine, which is basic and polar, at codon 55 of the COX6B1 protein (p.Glu55Lys). This variant is present in population databases (rs765762226, gnomAD 0.01%). This variant has not been reported in the literature in individuals affected with COX6B1-related conditions. ClinVar contains an entry for this variant (Variation ID: 2362382). An algorithm developed to predict the effect of missense changes on protein structure and function (PolyPhen-2) suggests that this variant¬†is likely to be tolerated. In summary, the available evidence is currently insufficient to determine the role of this variant in disease. Therefore, it has been classified as a Variant of Uncertain Significance.

Ambry Genetics
Classification: Uncertain significance for Inborn genetic diseases. Last evaluated: 2021-06-18. Review status: criteria provided, single submitter. Criteria: Ambry Variant Classification Scheme 2023. Collection method: clinical testing. Allele origin: germline.

NM_001863.5(COX6B1):c.163G>A (p.Glu55Lys)

Gene: COX6B1 (cytochrome c oxidase subunit 6B1; plus strand). Cytogenetic location: 19q13.12.
Variant type: single nucleotide variant.
Coding change: c.163G>A on transcript NM_001863.5 (MANE Select); coding-DNA position 163, G replaced by A.
Protein change: p.Glu55Lys; replaces glutamic acid 55 with lysine.
Molecular consequence: missense variant.
Genome position (GRCh38, 1-based): chr19:35,654,627, G>A. VCF-style: chr19-35654627-G-A. GRCh37 (hg19) VCF-style: chr19-36145529-G-A.
Other names: short protein forms E55K.
Identifiers: ClinVar variation 2362382 (VCV002362382.3), dbSNP rs765762226, ClinGen allele CA9383157.